The following is an entry in ClinVar:

NM_018668.5(VPS33B):c.1575T>A (p.Ile525=)

Gene: VPS33B (VPS33B late endosome and lysosome associated; minus strand). Cytogenetic location: 15q26.1.
Variant type: single nucleotide variant.
Coding change: c.1575T>A on transcript NM_018668.5 (MANE Select); coding-DNA position 1575, T replaced by A.
Protein change: p.Ile525=; no amino-acid change (isoleucine 525 retained).
Molecular consequence: synonymous variant.
Genome position (GRCh38, 1-based): chr15:91,000,496, A>T on the plus strand (T>A on the coding strand, the complement: VPS33B is on the minus strand). VCF-style: chr15-91000496-A-T. GRCh37 (hg19) VCF-style: chr15-91543726-A-T.
Other names: c.1494T>A, p.Ile498= (NM_001289148.1); c.1302T>A, p.Ile434= (NM_001289149.1).
Identifiers: ClinVar variation 3049052 (VCV003049052.2), dbSNP rs2544203526, ClinGen allele CA492203718.

ClinVar aggregate classification (germline): Likely benign (0 of 4 stars; one submission).

Conditions:
VPS33B-related disorder. Also called: VPS33B-related condition.

Submission:

PreventionGenetics, part of Exact Sciences
Classification: Likely benign for VPS33B-related condition. Last evaluated: 2022-12-08. Review status: no assertion criteria provided. Collection method: clinical testing. Allele origin: germline.
Comment: This variant is classified as likely benign based on ACMG/AMP sequence variant interpretation guidelines (Richards et al. 2015 PMID: 25741868, with internal and published modifications).